The following is an entry in ClinVar:

NM_001267550.2(TTN):c.11311+4508G>C

Gene: TTN (titin; minus strand). Cytogenetic location: 2q31.2.
Variant type: single nucleotide variant.
Coding change: c.11311+4508G>C on transcript NM_001267550.2 (MANE Select); 4508 bases into the intron after coding-DNA position 11311, G replaced by C.
Molecular consequence: intron variant. On other transcripts: missense variant (1).
Genome position (GRCh38, 1-based): chr2:178,748,616, C>G on the plus strand (G>C on the coding strand, the complement: TTN is on the minus strand). VCF-style: chr2-178748616-C-G. GRCh37 (hg19) VCF-style: chr2-179613343-C-G.
Other names: c.13784G>C, p.Ser4595Thr (NM_133379.5); c.10222+4508G>C (NM_003319.4); c.10798+4508G>C (NM_133437.4); c.10597+4508G>C (NM_133432.3); c.10360+4508G>C (NM_133378.4, NM_001256850.1); short protein forms S4595T.
Identifiers: ClinVar variation 4987727 (VCV004987727.1).
Genomic context (GRCh38, chr2:178,748,616, plus strand): 5'-ACAATGTTCTCAGTGTCAGCAGGATGTTGGATTTTAAAATAAGCTTCTTCTGGTTGACCA[C>G]TATCTAATTCTTGGAATTTCACATCTGTGTGTTTTATTTGAGTGTGAAACTGCTTTAAGT-3'

ClinVar aggregate classification (germline): Uncertain significance (1 of 4 stars; one submission).

Conditions:
TTN-related disorder. Also called: TTN-related disorders; TTN-related condition; TTN-related disease.

gnomAD v4.1: 19 of 1,612,956 alleles (0.0012%); highest among the groups gnomAD compares: African/African-American, 0.024%; no homozygotes.

Submission:

PreventionGenetics, part of Exact Sciences
Classification: Uncertain significance for TTN-related condition. Last evaluated: 2026-08-25. Review status: criteria provided, single submitter. Criteria: ACMG Guidelines, 2015. Collection method: clinical testing. Allele origin: germline.
Comment: The TTN c.13784G>C variant is predicted to result in the amino acid substitution p.Ser4595Thr. To our knowledge, this variant has not been reported in the literature. This variant is reported in 0.0062% of alleles in individuals of African descent in gnomAD. At this time, the clinical significance of this variant is uncertain due to the absence of conclusive functional and genetic evidence.